The following is an entry in ClinVar:

NM_152866.3(MS4A1):c.451_452del (p.Leu152fs)

Gene: MS4A1 (membrane spanning 4-domains A1; plus strand). Cytogenetic location: 11q12.2.
Variant type: Microsatellite.
Coding change: c.451_452del on transcript NM_152866.3 (MANE Select); coding-DNA positions 451 to 452, 2 bases deleted (AG; older notation c.451_452delAG).
Protein change: p.Leu152fs; shifts the reading frame from leucine 152.
Molecular consequence: frameshift variant.
Genome position (GRCh38, 1-based): chr11:60,466,035-60,466,036, AG deleted; deleting any 2 consecutive bases within chr11:60,466,032-60,466,036 gives the same sequence; the c. name uses the placement nearest the transcript's 3' end. VCF-style (leftmost placement, unchanged base first): chr11-60466031-GGA-G. GRCh37 (hg19) VCF-style: chr11-60233504-GGA-G.
Other names: c.451_452del, p.Leu152fs (NM_021950.4, NM_152867.2); short protein forms L152fs.
Identifiers: ClinVar variation 2811281 (VCV002811281.3), dbSNP rs1422238785, ClinGen allele CA599793255.

ClinVar aggregate classification (germline): Uncertain significance (1 of 4 stars; one submission).

Submission:

Labcorp Genetics (formerly Invitae), Labcorp
Classification: Uncertain significance. Last evaluated: 2026-01-19. Review status: criteria provided, single submitter. Criteria: Invitae Variant Classification Sherloc (09022015). Collection method: clinical testing. Allele origin: germline.
Comment: This sequence change creates a premature translational stop signal (p.Leu152Glufs*4) in the MS4A1 gene. It is expected to result in an absent or disrupted protein product. However, the current clinical and genetic evidence is not sufficient to establish whether loss-of-function variants in MS4A1 cause disease. This variant is present in population databases (no rsID available, gnomAD 0.002%). This variant has not been reported in the literature in individuals affected with MS4A1-related conditions. In summary, the available evidence is currently insufficient to determine the role of this variant in disease. Therefore, it has been classified as a Variant of Uncertain Significance.